The following is an entry in ClinVar:

ClinVar aggregate classification (germline): Pathogenic. Review status: criteria provided, multiple submitters, no conflicts (2 of 4 stars). 4 submissions from 4 submitters: Pathogenic (2). 2 of the submissions do not count toward it. Last evaluated 2024-05-10.

Conditions:
Short stature due to partial GHR deficiency. Also called: GROWTH HORMONE DEFICIENCY, ISOLATED PARTIAL; Growth hormone, insensitivity to, partial; GROWTH HORMONE INSENSITIVITY, PARTIAL. Identifiers: Orphanet 314802, Orphanet 314811, MedGen C1858656, MONDO:0011420, OMIM 604271.
Hypercholesterolemia, familial, 1. Also called: LDL RECEPTOR DISORDER; Hyperlipoproteinemia Type IIa; HYPER-LOW-DENSITY-LIPOPROTEINEMIA; HYPERCHOLESTEROLEMIC XANTHOMATOSIS, FAMILIAL; Fredrickson type IIa hyperlipoproteinemia; Hyperlipoproteinemia type 2. Identifiers: Orphanet 391665, MedGen C0745103, MONDO:0007750, OMIM 143890.
Laron-type isolated somatotropin defect. Also called: GROWTH HORMONE RECEPTOR DEFICIENCY; Laron Syndrome; Growth hormone binding protein deficiency or dysfunction; Growth hormone receptor deficiency or dysfunction; Laron dwarfism; Laron type pituitary dwarfism I. Identifiers: Orphanet 633, MedGen C0271568, MONDO:0009877, OMIM 262500.

Allele frequency attached by ClinVar (database versions not stated): TOPMed below 0.00001.
gnomAD v4.1: 20 of 1,613,116 alleles (0.0012%); highest among the groups gnomAD compares: Non-Finnish European, 0.0014%; no homozygotes.

Submissions (4):

Fulgent Genetics
Classification: Pathogenic for Hypercholesterolemia, familial, 1; Laron-type isolated somatotropin defect; Short stature due to partial GHR deficiency. Last evaluated: 2024-05-10. Review status: criteria provided, single submitter. Criteria: ACMG Guidelines, 2015. Collection method: clinical testing. Allele origin: germline.

Labcorp Genetics (formerly Invitae), Labcorp
Classification: Pathogenic. Last evaluated: 2024-01-16. Review status: criteria provided, single submitter. Criteria: Invitae Variant Classification Sherloc (09022015). Collection method: clinical testing. Allele origin: germline.
Comment: This sequence change creates a premature translational stop signal (p.Arg61*) in the GHR gene. It is expected to result in an absent or disrupted protein product. Loss-of-function variants in GHR are known to be pathogenic (PMID: 1999489, 8488849). This variant is present in population databases (rs121909358, gnomAD 0.005%). This premature translational stop signal has been observed in individual(s) with Laron dwarfism (PMID: 1999489, 8521189). This variant is also known as R43X. ClinVar contains an entry for this variant (Variation ID: 8633). For these reasons, this variant has been classified as Pathogenic.

Quest Diagnostics Nichols Institute San Juan Capistrano
Classification: Pathogenic for Laron syndrome. Last evaluated: 2014-05-25. Review status: no assertion criteria provided. Collection method: clinical testing. Allele origin: inherited. Affected: yes. Observed: 2 variant alleles. Not counted in ClinVar's aggregate classification.
Comment: Transition mutation predicted to lead to a premature stop codon in the growth hormone receptor gene, GHR.

OMIM
Classification: Pathogenic for LARON SYNDROME. Last evaluated: 1993-05-01. Review status: no assertion criteria provided. Collection method: literature only. Allele origin: germline. Not counted in ClinVar's aggregate classification.

Literature cited by the submitters: PubMed 1999489 (cited by 3 submitters); PubMed 8488849 (cited by 3 submitters); PubMed 8521189 (cited by Labcorp Genetics (formerly Invitae), Labcorp); Amselem, S., Sobrier, M. L., Duquesnoy, P., Dallapiccola, B., Gourmelen, M., Rappaport, R., Goossens, M. Recurrent nonsense mutations in the human growth hormone-receptor gene. (Abstract) Am. J. Hum. Genet. 47 (suppl.): A107, 1990. (cited by OMIM).

NM_000163.5(GHR):c.181C>T (p.Arg61Ter)

Gene: GHR (growth hormone receptor; plus strand). Cytogenetic location: 5p12.
Variant type: single nucleotide variant.
Coding change: c.181C>T on transcript NM_000163.5 (MANE Select); coding-DNA position 181, C replaced by T.
Protein change: p.Arg61Ter; replaces arginine 61 with a stop codon.
Molecular consequence: nonsense.
Genome position (GRCh38, 1-based): chr5:42,688,934, C>T. VCF-style: chr5-42688934-C-T. GRCh37 (hg19) VCF-style: chr5-42689036-C-T.
Other names: R43*; c.202C>T, p.Arg68Ter (NM_001242399.2); c.181C>T, p.Arg61Ter (NM_001242400.2, NM_001242401.4, NM_001242402.2 and 5 more transcripts); c.115C>T, p.Arg39Ter (NM_001242460.2); short protein forms R61*, R39*, R68*.
Identifiers: ClinVar variation 8633 (VCV000008633.9), dbSNP rs121909358, ClinGen allele CA119791.